The following is an entry in ClinVar:

ClinVar aggregate classification (germline): Uncertain significance (1 of 4 stars; one submission).

Submission:

GeneDx
Classification: Uncertain significance. Last evaluated: 2020-10-26. Review status: criteria provided, single submitter. Criteria: GeneDx Variant Classification Process June 2021. Collection method: clinical testing. Allele origin: germline. Affected: yes.
Comment: Not observed in large population cohorts (Lek et al., 2016); In silico analysis supports a deleterious effect on splicing; Has not been previously published as pathogenic or benign to our knowledge

NM_015046.7(SETX):c.388+6T>C

Gene: SETX (senataxin; minus strand). Cytogenetic location: 9q34.13.
Variant type: single nucleotide variant.
Coding change: c.388+6T>C on transcript NM_015046.7 (MANE Select); 6 bases into the intron after coding-DNA position 388, T replaced by C.
Molecular consequence: intron variant.
Genome position (GRCh38, 1-based): chr9:132,346,255, A>G on the plus strand (T>C on the coding strand, the complement: SETX is on the minus strand). VCF-style: chr9-132346255-A-G. GRCh37 (hg19) VCF-style: chr9-135221642-A-G.
Other names: c.388+6T>C (NM_001351528.2, NM_001351527.2).
Identifiers: ClinVar variation 1313598 (VCV001313598.2), dbSNP rs2131557145, ClinGen allele CA2573053119.
Genomic context (GRCh38, chr9:132,346,255, plus strand): 5'-GCCTAAATTCTTATGGTACTAAAATAATAAAACTGATATAACTTGAGGAACCATCAAGAT[A>G]CTCACTAACACGTTCATGTAGAAGCAAGTAAGGATATTTCAGTATTTCAAGAAGAGGAAC-3'